The following is an entry in ClinVar:

ClinVar aggregate classification (germline): Uncertain significance. Review status: criteria provided, multiple submitters, no conflicts (2 of 4 stars). 3 submissions from 3 submitters: Uncertain significance (2). 1 of the submissions does not count toward it. Last evaluated 2025-09-03.

Conditions:
TSC2-related disorder. Also called: TSC2-Related Disorders; TSC2-related condition.
Hereditary cancer-predisposing syndrome. Also called: Hereditary neoplastic syndrome; Hereditary Cancer Syndrome; Tumor predisposition; Neoplastic Syndromes, Hereditary. Identifiers: Orphanet 140162, MedGen C0027672, MeSH D009386, MONDO:0015356.
Tuberous sclerosis 2 (TSC2). Identifiers: Orphanet 805, MedGen C1860707, MONDO:0013199, OMIM 613254.

Allele frequency attached by ClinVar (database versions not stated): gnomAD exomes below 0.00001; TOPMed below 0.00001; gnomAD 0.00001.
gnomAD v4.1: 2 of 1,613,948 alleles (0.00012%); highest among the groups gnomAD compares: Non-Finnish European, 0.00017%; no homozygotes.

Submissions (3):

Labcorp Genetics (formerly Invitae), Labcorp
Classification: Uncertain significance for Tuberous sclerosis 2. Last evaluated: 2025-09-03. Review status: criteria provided, single submitter. Criteria: Invitae Variant Classification Sherloc (09022015). Collection method: clinical testing. Allele origin: germline.
Comment: This sequence change replaces serine, which is neutral and polar, with phenylalanine, which is neutral and non-polar, at codon 212 of the TSC2 protein (p.Ser212Phe). This variant is not present in population databases (gnomAD no frequency). This variant has not been reported in the literature in individuals affected with TSC2-related conditions. ClinVar contains an entry for this variant (Variation ID: 965610). Invitae Evidence Modeling of protein sequence and biophysical properties (such as structural, functional, and spatial information, amino acid conservation, physicochemical variation, residue mobility, and thermodynamic stability) indicates that this missense variant is not expected to disrupt TSC2 protein function with a negative predictive value of 95%. In summary, the available evidence is currently insufficient to determine the role of this variant in disease. Therefore, it has been classified as a Variant of Uncertain Significance.

Ambry Genetics
Classification: Uncertain significance for Hereditary cancer-predisposing syndrome. Last evaluated: 2024-03-20. Review status: criteria provided, single submitter. Criteria: Ambry Variant Classification Scheme 2023. Collection method: clinical testing. Allele origin: germline.
Comment: The p.S212F variant (also known as c.635C>T), located in coding exon 6 of the TSC2 gene, results from a C to T substitution at nucleotide position 635. The serine at codon 212 is replaced by phenylalanine, an amino acid with highly dissimilar properties. This amino acid position is not well conserved in available vertebrate species. In addition, the in silico prediction for this alteration is inconclusive. Based on the available evidence, the clinical significance of this alteration remains unclear.

PreventionGenetics, part of Exact Sciences
Classification: Uncertain significance for TSC2-related condition. Last evaluated: 2024-03-20. Review status: no assertion criteria provided. Collection method: clinical testing. Allele origin: germline. Not counted in ClinVar's aggregate classification.
Comment: The TSC2 c.635C>T variant is predicted to result in the amino acid substitution p.Ser212Phe. To our knowledge, this variant has not been reported in the literature or in a large population database, indicating this variant is rare. This variant is interpreted as a variant of uncertain significance in ClinVar. At this time, the clinical significance of this variant is uncertain due to the absence of conclusive functional and genetic evidence.

NM_000548.5(TSC2):c.635C>T (p.Ser212Phe)

Gene: TSC2 (TSC complex subunit 2; plus strand). Cytogenetic location: 16p13.3.
Variant type: single nucleotide variant.
Coding change: c.635C>T on transcript NM_000548.5 (MANE Select); coding-DNA position 635, C replaced by T.
Protein change: p.Ser212Phe; replaces serine 212 with phenylalanine.
Molecular consequence: missense variant.
Genome position (GRCh38, 1-based): chr16:2,056,231, C>T. VCF-style: chr16-2056231-C-T. GRCh37 (hg19) VCF-style: chr16-2106232-C-T.
Other names: c.635C>T, p.Ser212Phe (NM_001077183.3, NM_001114382.3, NM_001363528.2 and 3 more transcripts); c.524C>T, p.Ser175Phe (NM_001318827.2); c.488C>T, p.Ser163Phe (NM_001318829.2); c.35C>T, p.Ser12Phe (NM_001318831.2); c.668C>T, p.Ser223Phe (NM_001318832.2); c.635C>T (NM_000548.4); short protein forms S12F, S223F, S163F, S175F, S212F.
Identifiers: ClinVar variation 965610 (VCV000965610.11), dbSNP rs2085795216, ClinGen allele CA394310954.